The following is an entry in ClinVar:

ClinVar aggregate classification (germline): Uncertain significance. Review status: criteria provided, multiple submitters, no conflicts (2 of 4 stars). 3 submissions from 3 submitters: Uncertain significance (2). 1 of the submissions does not count toward it. Last evaluated 2025-01-06.

Conditions:
ABHD5-related disorder. Also called: ABHD5-related condition.

Allele frequency attached by ClinVar (database versions not stated): gnomAD 0.00003 and 0.00004; gnomAD exomes 0.00011 and 0.00025; TOPMed 0.00017; ExAC 0.00018.
gnomAD v4.1: 72 of 1,613,934 alleles (0.0045%); highest among the groups gnomAD compares: Admixed American, 0.12%; no homozygotes.

Submissions (3):

Labcorp Genetics (formerly Invitae), Labcorp
Classification: Uncertain significance. Last evaluated: 2025-01-06. Review status: criteria provided, single submitter. Criteria: Invitae Variant Classification Sherloc (09022015). Collection method: clinical testing. Allele origin: germline.
Comment: This sequence change replaces leucine, which is neutral and non-polar, with phenylalanine, which is neutral and non-polar, at codon 24 of the ABHD5 protein (p.Leu24Phe). This variant is present in population databases (rs773350263, gnomAD 0.2%). This variant has not been reported in the literature in individuals affected with ABHD5-related conditions. ClinVar contains an entry for this variant (Variation ID: 1359072). An algorithm developed to predict the effect of missense changes on protein structure and function (PolyPhen-2) suggests that this variant¬†is likely to be tolerated. In summary, the available evidence is currently insufficient to determine the role of this variant in disease. Therefore, it has been classified as a Variant of Uncertain Significance.

Mayo Clinic Laboratories, Mayo Clinic
Classification: Uncertain significance. Last evaluated: 2023-08-11. Review status: criteria provided, single submitter. Criteria: ACMG Guidelines, 2015. Collection method: clinical testing. Allele origin: germline. Observed: 1 variant allele.
Comment: BS1

PreventionGenetics, part of Exact Sciences
Classification: Likely benign for ABHD5-related condition. Last evaluated: 2022-03-29. Review status: no assertion criteria provided. Collection method: clinical testing. Allele origin: germline. Not counted in ClinVar's aggregate classification.
Comment: This variant is classified as likely benign based on ACMG/AMP sequence variant interpretation guidelines (Richards et al. 2015 PMID: 25741868, with internal and published modifications).

NM_016006.6(ABHD5):c.70C>T (p.Leu24Phe)

Gene: ABHD5 (abhydrolase domain containing 5, lysophosphatidic acid acyltransferase; plus strand). Cytogenetic location: 3p21.33.
Variant type: single nucleotide variant.
Coding change: c.70C>T on transcript NM_016006.6 (MANE Select); coding-DNA position 70, C replaced by T.
Protein change: p.Leu24Phe; replaces leucine 24 with phenylalanine.
Molecular consequence: missense variant. On other transcripts: 5 prime UTR variant (1), non-coding transcript variant (1).
Genome position (GRCh38, 1-based): chr3:43,699,298, C>T. VCF-style: chr3-43699298-C-T. GRCh37 (hg19) VCF-style: chr3-43740790-C-T.
Other names: p.Leu24Phe; c.70C>T, p.Leu24Phe (NM_001355186.2, NM_001365650.1); c.-54C>T (NM_001365649.1); c.70C>T (NM_016006.4); short protein forms L24F.
Identifiers: ClinVar variation 1359072 (VCV001359072.7), dbSNP rs773350263, ClinGen allele CA2341264.